The following is an entry in ClinVar:

ClinVar aggregate classification (germline): Benign. Review status: criteria provided, single submitter (1 of 4 stars). 2 submissions from 1 submitter: Benign (2). Last evaluated 2018-01-12.

Conditions:
Neuroblastoma, susceptibility to, 2. Identifiers: Orphanet 635, MedGen C2751682, MONDO:0700041, OMIM 613013.
Congenital central hypoventilation. Also called: Congenital Central Hypoventilation Syndrome. Identifiers: Orphanet 661, Orphanet 99803, MedGen C1275808, MONDO:0800031. Disease mechanism: gain of function.

Allele frequency attached by ClinVar (database versions not stated): gnomAD below 0.00001 and 0.00036; TOPMed 0.00008; gnomAD exomes 0.00019; 1000 Genomes Project 0.00343.

Submissions (2):

Illumina Laboratory Services, Illumina
Classification: Benign for Central hypoventilation syndrome, congenital, 1, with or without Hirschsprung disease. Last evaluated: 2018-01-12. Review status: criteria provided, single submitter. Criteria: ICSL Variant Classification Criteria 13 December 2019. Collection method: clinical testing. Allele origin: germline.
Comment: This variant was observed in the ICSL laboratory as part of a predisposition screen in an ostensibly healthy population. It had not been previously curated by ICSL or reported in the Human Gene Mutation Database (HGMD: prior to June 1st, 2018), and was therefore a candidate for classification through an automated scoring system. Utilizing variant allele frequency, disease prevalence and penetrance estimates, and inheritance mode, an automated score was calculated to assess if this variant is too frequent to cause the disease. Based on the score and internal cut-off values, a variant classified as benign is not then subjected to further curation. The score for this variant resulted in a classification of benign for this disease.

Illumina Laboratory Services, Illumina
Classification: Benign for Neuroblastoma, susceptibility to, 2. Last evaluated: 2018-01-12. Review status: criteria provided, single submitter. Criteria: ICSL Variant Classification Criteria 13 December 2019. Collection method: clinical testing. Allele origin: germline.
Comment: the same text as in the submission from Illumina Laboratory Services, Illumina above.

NM_003924.4(PHOX2B):c.*550G>A

Gene: PHOX2B (paired like homeobox 2B; minus strand). Cytogenetic location: 4p13.
Variant type: single nucleotide variant.
Coding change: c.*550G>A on transcript NM_003924.4 (MANE Select); 550 bases downstream of the stop codon, G replaced by A.
Molecular consequence: 3 prime UTR variant.
Genome position (GRCh38, 1-based): chr4:41,745,257, C>T on the plus strand (G>A on the coding strand, the complement: PHOX2B is on the minus strand). VCF-style: chr4-41745257-C-T. GRCh37 (hg19) VCF-style: chr4-41747274-C-T.
Identifiers: ClinVar variation 348799 (VCV000348799.5), dbSNP rs577950819, ClinGen allele CA10621094.
Genomic context (GRCh38, chr4:41,745,257, plus strand): 5'-CACAAGATCGAGCCTTCAGCTCCAGCTGCAGCTTCTCCCCTAGCCCCTCCTTTAATTTGT[C>T]TTTTTTTTCCTTATGTTTTTTAAACCTTTCTGGGTTGTTGGCTTTTTGTTTTTTAATGGT-3'